The following is an entry in ClinVar:

NM_002474.3(MYH11):c.2475C>T (p.Ala825=)

Gene: MYH11 (myosin heavy chain 11; minus strand). Cytogenetic location: 16p13.11.
Variant type: single nucleotide variant.
Coding change: c.2475C>T on transcript NM_002474.3 (MANE Select); coding-DNA position 2475, C replaced by T.
Protein change: p.Ala825=; no amino-acid change (alanine 825 retained).
Molecular consequence: synonymous variant.
Genome position (GRCh38, 1-based): chr16:15,745,174, G>A on the plus strand (C>T on the coding strand, the complement: MYH11 is on the minus strand). VCF-style: chr16-15745174-G-A. GRCh37 (hg19) VCF-style: chr16-15839031-G-A.
Other names: c.2496C>T, p.Ala832= (NM_001040113.2, NM_001040114.2); c.2475C>T, p.Ala825= (NM_022844.3).
Identifiers: ClinVar variation 263848 (VCV000263848.11), dbSNP rs886038948, ClinGen allele CA10587892.

ClinVar aggregate classification (germline): Likely benign. Review status: criteria provided, multiple submitters, no conflicts (2 of 4 stars). 4 submissions from 4 submitters: Likely benign (4). Last evaluated 2024-06-13.

Conditions:
Familial thoracic aortic aneurysm and aortic dissection (TAAD). Also called: Thoracic aortic aneurysms and dissections. Identifiers: Orphanet 91387, MedGen C4707243, MONDO:0019625.
Aortic aneurysm, familial thoracic 4 (AAT4). Also called: AORTIC ANEURYSM/AORTIC DISSECTION AND PATENT DUCTUS ARTERIOSUS. Identifiers: MedGen C1851504, MONDO:0007568, OMIM 132900.

Allele frequency attached by ClinVar (database versions not stated): TOPMed 0.00001; gnomAD exomes below 0.00001.
gnomAD v4.1: 3 of 1,614,206 alleles (0.00019%); highest among the groups gnomAD compares: Admixed American, 0.005%; no homozygotes.

Submissions (4):

Labcorp Genetics (formerly Invitae), Labcorp
Classification: Likely benign for Aortic aneurysm, familial thoracic 4. Last evaluated: 2024-06-13. Review status: criteria provided, single submitter. Criteria: Invitae Variant Classification Sherloc (09022015). Collection method: clinical testing. Allele origin: germline.

All of Us Research Program, National Institutes of Health
Classification: Likely benign for Familial thoracic aortic aneurysm and aortic dissection. Last evaluated: 2023-10-02. Review status: criteria provided, single submitter. Criteria: ACMG Guidelines, 2015. Collection method: clinical testing. Allele origin: germline. Inheritance: Autosomal dominant inheritance. Observed: 2 variant alleles, 2 heterozygotes.
Comment: This study involves interpretation of variants in research participants for the purpose of population health screening. Participant phenotype was not available at the time of variant classification. Additional details can be found in publication PMID: 35346344, PMCID: PMC8962531

Color Diagnostics, LLC DBA Color Health
Classification: Likely benign for Familial thoracic aortic aneurysm and aortic dissection. Last evaluated: 2019-07-15. Review status: criteria provided, single submitter. Criteria: ACMG Guidelines, 2015. Collection method: clinical testing. Allele origin: germline.

Ambry Genetics
Classification: Likely benign for Familial thoracic aortic aneurysm and aortic dissection. Last evaluated: 2014-07-08. Review status: criteria provided, single submitter. Criteria: Ambry Variant Classification Scheme 2023. Collection method: clinical testing. Allele origin: germline.